The following is an entry in ClinVar:

ClinVar aggregate classification (germline): Uncertain significance (1 of 4 stars; one submission).

Conditions:
Hereditary cancer-predisposing syndrome. Also called: Hereditary Cancer Syndrome; Hereditary neoplastic syndrome; Neoplastic Syndromes, Hereditary; Tumor predisposition. Identifiers: Orphanet 140162, MedGen C0027672, MeSH D009386, MONDO:0015356.

Submission:

Ambry Genetics
Classification: Uncertain significance for Hereditary cancer-predisposing syndrome. Last evaluated: 2025-07-28. Review status: criteria provided, single submitter. Criteria: Ambry Variant Classification Scheme 2023. Collection method: clinical testing. Allele origin: germline.
Comment: The p.I507N variant (also known as c.1520T>A), located in coding exon 10 of the BRIP1 gene, results from a T to A substitution at nucleotide position 1520. The isoleucine at codon 507 is replaced by asparagine, an amino acid with dissimilar properties. This amino acid position is conserved. In addition, this alteration is predicted to be tolerated by in silico analysis. Based on the available evidence, the clinical significance of this variant remains unclear.

NM_032043.3(BRIP1):c.1520T>A (p.Ile507Asn)

Gene: BRIP1 (BRCA1 interacting DNA helicase 1; minus strand). Cytogenetic location: 17q23.2.
Variant type: single nucleotide variant.
Coding change: c.1520T>A on transcript NM_032043.3 (MANE Select); coding-DNA position 1520, T replaced by A.
Protein change: p.Ile507Asn; replaces isoleucine 507 with asparagine.
Molecular consequence: missense variant.
Genome position (GRCh38, 1-based): chr17:61,784,378, A>T on the plus strand (T>A on the coding strand, the complement: BRIP1 is on the minus strand). VCF-style: chr17-61784378-A-T. GRCh37 (hg19) VCF-style: chr17-59861739-A-T.
Other names: short protein forms I507N.
Identifiers: ClinVar variation 4216263 (VCV004216263.1).